The following is an entry in ClinVar:

ClinVar aggregate classification (germline): Likely benign (1 of 4 stars; one submission).

gnomAD v4.1: 32 of 1,613,342 alleles (0.002%); highest among the groups gnomAD compares: African/African-American, 0.029%; no homozygotes.

Submission:

CeGaT Center for Human Genetics Tuebingen
Classification: Likely benign. Last evaluated: 2024-11-01. Review status: criteria provided, single submitter. Criteria: CeGaT Center For Human Genetics Tuebingen Variant Classification Criteria Version 2. Collection method: clinical testing. Allele origin: germline. Affected: yes. Observed: 1 variant allele.
Comment: YTHDF1: BP4, BP7

NM_017798.4(YTHDF1):c.618C>T (p.Val206=)

Gene: YTHDF1 (YTH N6-methyladenosine RNA binding protein F1; minus strand). Cytogenetic location: 20q13.33.
Variant type: single nucleotide variant.
Coding change: c.618C>T on transcript NM_017798.4 (MANE Select); coding-DNA position 618, C replaced by T.
Protein change: p.Val206=; no amino-acid change (valine 206 retained).
Molecular consequence: synonymous variant.
Genome position (GRCh38, 1-based): chr20:63,203,322, G>A on the plus strand (C>T on the coding strand, the complement: YTHDF1 is on the minus strand). VCF-style: chr20-63203322-G-A. GRCh37 (hg19) VCF-style: chr20-61834674-G-A.
Identifiers: ClinVar variation 3389503 (VCV003389503.14).
Genomic context (GRCh38, chr20:63,203,322, plus strand): 5'-CATGTTCACATTTGTCCCACCGTTGCCAGAAAGGACACCAGTCAGTGCCACGCTGCTGAC[G>A]ACAGAGCCCACCGTCTTGACGGCGGAGGAGCTGACGTCCCCAATCTTCAGGCCAACCATG-3'
Protein context (NP_060268.2, residues 196-216): SSSAVKTVGS[Val206=]VSSVALTGVL